The following is an entry in ClinVar:

ClinVar aggregate classification (germline): Pathogenic (1 of 4 stars; one submission).

Conditions:
Cystinuria (CSNU). Also called: CYSTINURIA, TYPE I; CYSTINURIA, TYPE II; CYSTINURIA, TYPE III; Cystinuria, non-type I. Identifiers: Orphanet 214, MedGen C0010691, MONDO:0009067, OMIM 220100, HP:0003131.

Submission:

Laboratorio de Genetica e Diagnostico Molecular, Hospital Israelita Albert Einstein
Classification: Pathogenic for Cystinuria. Last evaluated: 2022-12-22. Review status: criteria provided, single submitter. Criteria: ACMG Guidelines, 2015. Collection method: clinical testing. Allele origin: germline. Affected: yes. Observed: 1 variant allele.
Comment: ACMG classification criteria: PVS1 very strong, PS4 moderated, PM2 moderated

NM_014270.5(SLC7A9):c.206G>A (p.Trp69Ter)

Gene: SLC7A9 (solute carrier family 7 member 9; minus strand). Cytogenetic location: 19q13.11.
Variant type: single nucleotide variant.
Coding change: c.206G>A on transcript NM_014270.5 (MANE Select); coding-DNA position 206, G replaced by A.
Protein change: p.Trp69Ter; replaces tryptophan 69 with a stop codon.
Molecular consequence: nonsense.
Genome position (GRCh38, 1-based): chr19:32,864,658, C>T on the plus strand (G>A on the coding strand, the complement: SLC7A9 is on the minus strand). VCF-style: chr19-32864658-C-T. GRCh37 (hg19) VCF-style: chr19-33355564-C-T.
Other names: c.206G>A, p.Trp69Ter (NM_001126335.2, NM_001243036.2); short protein forms W69*.
Identifiers: ClinVar variation 2431528 (VCV002431528.1), dbSNP rs2513609886, ClinGen allele CA405204286.